The following is an entry in ClinVar:

ClinVar aggregate classification (germline): Uncertain significance (1 of 4 stars; one submission).

Allele frequency attached by ClinVar (database versions not stated): gnomAD exomes below 0.00001; TOPMed 0.00001; gnomAD 0.00003; ExAC 0.00007; 1000 Genomes Project 30x 0.00016; 1000 Genomes Project 0.00020.
gnomAD v4.1: 9 of 1,567,974 alleles (0.00057%); highest among the groups gnomAD compares: East Asian, 0.0093%; no homozygotes.

Submission:

Labcorp Genetics (formerly Invitae), Labcorp
Classification: Uncertain significance. Last evaluated: 2022-05-17. Review status: criteria provided, single submitter. Criteria: Invitae Variant Classification Sherloc (09022015). Collection method: clinical testing. Allele origin: germline.
Comment: Algorithms developed to predict the effect of missense changes on protein structure and function are either unavailable or do not agree on the potential impact of this missense change (SIFT: "Not Available"; PolyPhen-2: "Probably Damaging"; Align-GVGD: "Not Available"). In summary, the available evidence is currently insufficient to determine the role of this variant in disease. Therefore, it has been classified as a Variant of Uncertain Significance. This variant has not been reported in the literature in individuals affected with MYO18B-related conditions. The frequency data for this variant in the population databases is considered unreliable, as metrics indicate poor data quality at this position in the gnomAD database. This sequence change replaces arginine, which is basic and polar, with tryptophan, which is neutral and slightly polar, at codon 1127 of the MYO18B protein (p.Arg1127Trp).

NM_032608.7(MYO18B):c.3379C>T (p.Arg1127Trp)

Gene: MYO18B (myosin XVIIIB; plus strand). Cytogenetic location: 22q12.1.
Variant type: single nucleotide variant.
Coding change: c.3379C>T on transcript NM_032608.7 (MANE Select); coding-DNA position 3379, C replaced by T.
Protein change: p.Arg1127Trp; replaces arginine 1127 with tryptophan.
Molecular consequence: missense variant.
Genome position (GRCh38, 1-based): chr22:25,846,110, C>T. VCF-style: chr22-25846110-C-T. GRCh37 (hg19) VCF-style: chr22-26242077-C-T.
Other names: c.3382C>T, p.Arg1128Trp (NM_001318245.2); short protein forms R1127W, R1128W.
Identifiers: ClinVar variation 1962024 (VCV001962024.5), dbSNP rs564374117, ClinGen allele CA10160549.
Genomic context (GRCh38, chr22:25,846,110, plus strand): 5'-TTCCCAAGAACCTCCTAAAGCTCCTCTCTCTTTTCCCTCCTCCCCACCAGAGAGGAGCTG[C>T]GGAGTCTATTCCAGGCCCGGGCCAAGCTGCCTCCTGTGTGCCGGGCTGTGGCAGGCCTGG-3'
Protein context (NP_115997.5, residues 1117-1137): VLHQSKREEL[Arg1127Trp]SLFQARAKLP